The following is an entry in ClinVar:

NM_001430.5(EPAS1):c.301G>C (p.Val101Leu)

Gene: EPAS1 (endothelial PAS domain protein 1; plus strand). Cytogenetic location: 2p21.
Variant type: single nucleotide variant.
Coding change: c.301G>C on transcript NM_001430.5 (MANE Select); coding-DNA position 301, G replaced by C.
Protein change: p.Val101Leu; replaces valine 101 with leucine.
Molecular consequence: missense variant.
Genome position (GRCh38, 1-based): chr2:46,356,234, G>C. VCF-style: chr2-46356234-G-C. GRCh37 (hg19) VCF-style: chr2-46583373-G-C.
Other names: short protein forms V101L.
Identifiers: ClinVar variation 2456680 (VCV002456680.2), dbSNP rs181240421, ClinGen allele CA346697844.

ClinVar aggregate classification (germline): Uncertain significance (1 of 4 stars; one submission).

Conditions:
Inborn genetic diseases. Identifiers: MedGen C0950123, MeSH D030342.

gnomAD v4.1: 1 of 1,611,854 alleles (0.000062%); highest among the groups gnomAD compares: African/African-American, 0.0013%; no homozygotes.

Submission:

Ambry Genetics
Classification: Uncertain significance for Inborn genetic diseases. Last evaluated: 2023-01-16. Review status: criteria provided, single submitter. Criteria: Ambry Variant Classification Scheme 2023. Collection method: clinical testing. Allele origin: germline.
Comment: The p.V101L variant (also known as c.301G>C), located in coding exon 3 of the EPAS1 gene, results from a G to C substitution at nucleotide position 301. The valine at codon 101 is replaced by leucine, an amino acid with highly similar properties. This amino acid position is conserved. In addition, the in silico prediction for this alteration is inconclusive. Since supporting evidence is limited at this time, the clinical significance of this alteration remains unclear.